The following is an entry in ClinVar:

ClinVar aggregate classification (germline): Benign/Likely benign. Review status: criteria provided, multiple submitters, no conflicts (2 of 4 stars). 5 submissions from 2 submitters: Benign (4); Likely benign (1). Last evaluated 2021-05-13.

Conditions:
Jervell and Lange-Nielsen syndrome 1 (JLNS1). Also called: CARDIOAUDITORY SYNDROME OF JERVELL AND LANGE-NIELSEN; DEAFNESS, CONGENITAL, AND FUNCTIONAL HEART DISEASE; PROLONGED QT INTERVAL IN EKG AND SUDDEN DEATH; SURDO-CARDIAC SYNDROME. Identifiers: Orphanet 768, Orphanet 90647, MedGen C4551509, MONDO:0024540, OMIM 220400.
Short QT syndrome type 2. Identifiers: Orphanet 51083, MedGen C1865019, MONDO:0012313, OMIM 609621.
Long QT syndrome 1 (LQT1). Identifiers: Orphanet 101016, Orphanet 768, MedGen C4551647, MONDO:0100316, OMIM 192500, MONDO:0008646.
Atrial fibrillation, familial, 3 (ATFB3). Identifiers: MedGen C1837014, MONDO:0011857, OMIM 607554.

Allele frequency attached by ClinVar (database versions not stated): gnomAD exomes 0.00318 and 0.00591; ExAC 0.00385; gnomAD 0.02244 and 0.02395; 1000 Genomes Project 0.02316; 1000 Genomes Project 30x 0.02389; TOPMed 0.02641.
gnomAD v4.1: 4,364 of 457,462 alleles (0.95%); highest among the groups gnomAD compares: African/African-American, 7.5%; 162 homozygotes.

Submissions (5):

GeneDx
Classification: Benign. Last evaluated: 2021-05-13. Review status: criteria provided, single submitter. Criteria: GeneDx Variant Classification Process June 2021. Collection method: clinical testing. Allele origin: germline. Affected: yes.

Illumina Laboratory Services, Illumina
Classification: Benign for Short QT syndrome type 2. Last evaluated: 2018-01-13. Review status: criteria provided, single submitter. Criteria: ICSL Variant Classification Criteria 13 December 2019. Collection method: clinical testing. Allele origin: germline.
Comment: This variant was observed in the ICSL laboratory as part of a predisposition screen in an ostensibly healthy population. It had not been previously curated by ICSL or reported in the Human Gene Mutation Database (HGMD: prior to June 1st, 2018), and was therefore a candidate for classification through an automated scoring system. Utilizing variant allele frequency, disease prevalence and penetrance estimates, and inheritance mode, an automated score was calculated to assess if this variant is too frequent to cause the disease. Based on the score and internal cut-off values, a variant classified as benign is not then subjected to further curation. The score for this variant resulted in a classification of benign for this disease.

Illumina Laboratory Services, Illumina
Classification: Benign for Jervell and Lange-Nielsen syndrome 1. Last evaluated: 2018-01-13. Review status: criteria provided, single submitter. Criteria: ICSL Variant Classification Criteria 13 December 2019. Collection method: clinical testing. Allele origin: germline.
Comment: the same text as in the submission from Illumina Laboratory Services, Illumina above.

Illumina Laboratory Services, Illumina
Classification: Likely benign for Atrial fibrillation, familial, 3. Last evaluated: 2018-01-13. Review status: criteria provided, single submitter. Criteria: ICSL Variant Classification Criteria 13 December 2019. Collection method: clinical testing. Allele origin: germline.
Comment: This variant was observed in the ICSL laboratory as part of a predisposition screen in an ostensibly healthy population. It had not been previously curated by ICSL or reported in the Human Gene Mutation Database (HGMD: prior to June 1st, 2018), and was therefore a candidate for classification through an automated scoring system. Utilizing variant allele frequency, disease prevalence and penetrance estimates, and inheritance mode, an automated score was calculated to assess if this variant is too frequent to cause the disease. Based on the score and internal cut-off values, a variant classified as likely benign is not then subjected to further curation. The score for this variant resulted in a classification of likely benign for this disease.

Illumina Laboratory Services, Illumina
Classification: Benign for Long QT syndrome 1. Last evaluated: 2018-01-13. Review status: criteria provided, single submitter. Criteria: ICSL Variant Classification Criteria 13 December 2019. Collection method: clinical testing. Allele origin: germline.
Comment: the same text as in the submission from Illumina Laboratory Services, Illumina above.

NM_000218.3(KCNQ1):c.*482G>A

Genes: KCNQ1-AS1 (KCNQ1 antisense RNA 1; minus strand), KCNQ1 (potassium voltage-gated channel subfamily Q member 1; plus strand). Cytogenetic location: 11p15.4.
Variant type: single nucleotide variant.
Coding change: c.*482G>A on transcript NM_000218.3 (MANE Select); 482 bases downstream of the stop codon, G replaced by A.
Molecular consequence: 3 prime UTR variant.
Genome position (GRCh38, 1-based): chr11:2,848,485, G>A. VCF-style: chr11-2848485-G-A. GRCh37 (hg19) VCF-style: chr11-2869715-G-A.
Other names: c.*482G>A (NM_001406836.1, NM_001406837.1, NM_001406838.1 and 2 more transcripts).
Identifiers: ClinVar variation 304250 (VCV000304250.9), dbSNP rs45510192, ClinGen allele CA037936.